The following is an entry in ClinVar:

NM_006950.3(SYN1):c.1970A>C (p.His657Pro)

Gene: SYN1 (synapsin I; minus strand). Cytogenetic location: Xp11.3.
Variant type: single nucleotide variant.
Coding change: c.1970A>C on transcript NM_006950.3 (MANE Select); coding-DNA position 1970, A replaced by C.
Protein change: p.His657Pro; replaces histidine 657 with proline.
Molecular consequence: missense variant.
Genome position (GRCh38, 1-based): chrX:47,574,014, T>G on the plus strand (A>C on the coding strand, the complement: SYN1 is on the minus strand). VCF-style: chrX-47574014-T-G. GRCh37 (hg19) VCF-style: chrX-47433413-T-G.
Other names: c.1970A>C, p.His657Pro (NM_133499.2); short protein forms H657P.
Identifiers: ClinVar variation 986137 (VCV000986137.11), dbSNP rs992542097, ClinGen allele CA412822008.
Genomic context (GRCh38, chrX:47,574,014, plus strand): 5'-CCCGCTTTGTGAGCAGCAAGGCGAAGGCTGCTGTAGGGGTCCCCTTACTTGAGCTGGGGG[T>G]GCGGAGGTCCCCCTGCAGCGGCGGTGGCGGGTGGCGGCACGTCCTGGCTGGGTTTCTGGG-3'
Protein context (NP_008881.2, residues 647-667): PATAAAGGPP[His657Pro]PQLNKSQSLT

ClinVar aggregate classification (germline): Uncertain significance. Review status: criteria provided, multiple submitters, no conflicts (2 of 4 stars). 2 submissions from 2 submitters: Uncertain significance (2). Last evaluated 2021-04-11.

Conditions:
Inborn genetic diseases. Identifiers: MedGen C0950123, MeSH D030342.
Epilepsy, X-linked 1, with variable learning disabilities and behavior disorders. Also called: X-linked epilepsy-learning disabilities-behavior disorders syndrome. Identifiers: Orphanet 85294, MedGen C5774177, MONDO:0010339, OMIM 300491.

gnomAD v4.1: 5 of 1,142,096 alleles (0.00044%); highest among the groups gnomAD compares: Non-Finnish European, 0.00058%; no homozygotes.

Submissions (2):

Labcorp Genetics (formerly Invitae), Labcorp
Classification: Uncertain significance for Epilepsy, X-linked 1, with variable learning disabilities and behavior disorders. Last evaluated: 2021-04-11. Review status: criteria provided, single submitter. Criteria: Invitae Variant Classification Sherloc (09022015). Collection method: clinical testing. Allele origin: germline.
Comment: This variant has not been reported in the literature in individuals with SYN1-related conditions. ClinVar contains an entry for this variant (Variation ID: 986137). The frequency data for this variant in the population databases is considered unreliable, as metrics indicate insufficient coverage at this position in the ExAC database. This sequence change replaces histidine with proline at codon 657 of the SYN1 protein (p.His657Pro). The histidine residue is moderately conserved and there is a moderate physicochemical difference between histidine and proline. Algorithms developed to predict the effect of missense changes on protein structure and function are either unavailable or do not agree on the potential impact of this missense change (SIFT: "Tolerated"; PolyPhen-2: "Not Available"; Align-GVGD: "Class C0"). In summary, the available evidence is currently insufficient to determine the role of this variant in disease. Therefore, it has been classified as a Variant of Uncertain Significance.

Ambry Genetics
Classification: Uncertain significance for Inborn genetic diseases. Last evaluated: 2018-07-03. Review status: criteria provided, single submitter. Criteria: Ambry exome assertion method (8-5-2015). Collection method: clinical testing. Allele origin: germline. Affected: yes. Observed: 1 variant allele.

Literature cited by the submitters: PubMed 15071120 (cited by Ambry Genetics).